The following is an entry in ClinVar:

ClinVar aggregate classification (germline): Uncertain significance (1 of 4 stars; one submission).

Conditions:
Inborn genetic diseases. Identifiers: MedGen C0950123, MeSH D030342.

Submission:

Ambry Genetics
Classification: Uncertain significance for Inborn genetic diseases. Last evaluated: 2026-04-22. Review status: criteria provided, single submitter. Criteria: Ambry Variant Classification Scheme 2023. Collection method: clinical testing. Allele origin: germline.
Comment: The p.A1508T variant (also known as c.4522G>A), located in coding exon 18 of the FANCM gene, results from a G to A substitution at nucleotide position 4522. The alanine at codon 1508 is replaced by threonine, an amino acid with similar properties. This amino acid position is conserved. In addition, this alteration is predicted to be tolerated by in silico analysis. Based on the available evidence, the clinical significance of this variant remains unclear.

NM_020937.4(FANCM):c.4522G>A (p.Ala1508Thr)

Gene: FANCM (FA complementation group M; plus strand). Cytogenetic location: 14q21.2.
Variant type: single nucleotide variant.
Coding change: c.4522G>A on transcript NM_020937.4 (MANE Select); coding-DNA position 4522, G replaced by A.
Protein change: p.Ala1508Thr; replaces alanine 1508 with threonine.
Molecular consequence: missense variant.
Genome position (GRCh38, 1-based): chr14:45,185,223, G>A. VCF-style: chr14-45185223-G-A. GRCh37 (hg19) VCF-style: chr14-45654426-G-A.
Other names: c.4444G>A, p.Ala1482Thr (NM_001308133.2); short protein forms A1482T, A1508T.
Identifiers: ClinVar variation 4871093 (VCV004871093.1).